The following is an entry in ClinVar:

ClinVar aggregate classification (germline): Conflicting classifications of pathogenicity. Review status: criteria provided, conflicting classifications (1 of 4 stars). 2 submissions from 2 submitters: Uncertain significance (1); Likely benign (1). Last evaluated 2024-01-24.

Conditions:
Progressive sclerosing poliodystrophy (MTDPS4A). Also called: Mitochondrial DNA Depletion Syndrome 4A; ALPERS PROGRESSIVE INFANTILE POLIODYSTROPHY; NEURONAL DEGENERATION OF CHILDHOOD WITH LIVER DISEASE, PROGRESSIVE; Mitochondrial DNA depletion syndrome 4A (Alpers type); Alpers-Huttenlocher Syndrome (AHS); Alpers Syndrome. Identifiers: Orphanet 726, MedGen C0205710, MONDO:0008758, OMIM 203700.
Inborn genetic diseases. Identifiers: MedGen C0950123, MeSH D030342.

Allele frequency attached by ClinVar (database versions not stated): TOPMed below 0.00001.

Submissions (2):

Labcorp Genetics (formerly Invitae), Labcorp
Classification: Uncertain significance for Progressive sclerosing poliodystrophy. Last evaluated: 2024-01-24. Review status: criteria provided, single submitter. Criteria: Invitae Variant Classification Sherloc (09022015). Collection method: clinical testing. Allele origin: germline.
Comment: This sequence change replaces aspartic acid, which is acidic and polar, with glycine, which is neutral and non-polar, at codon 695 of the POLG protein (p.Asp695Gly). This variant is not present in population databases (gnomAD no frequency). This variant has not been reported in the literature in individuals affected with POLG-related conditions. ClinVar contains an entry for this variant (Variation ID: 1983654). Advanced modeling of protein sequence and biophysical properties (such as structural, functional, and spatial information, amino acid conservation, physicochemical variation, residue mobility, and thermodynamic stability) performed at Invitae indicates that this missense variant is not expected to disrupt POLG protein function with a negative predictive value of 95%. In summary, the available evidence is currently insufficient to determine the role of this variant in disease. Therefore, it has been classified as a Variant of Uncertain Significance.

Ambry Genetics
Classification: Likely benign for Inborn genetic diseases. Last evaluated: 2022-09-14. Review status: criteria provided, single submitter. Criteria: Ambry Variant Classification Scheme 2023. Collection method: clinical testing. Allele origin: germline.

NM_002693.3(POLG):c.2084A>G (p.Asp695Gly)

Gene: POLG (DNA polymerase gamma, catalytic subunit; minus strand). Cytogenetic location: 15q26.1.
Variant type: single nucleotide variant.
Coding change: c.2084A>G on transcript NM_002693.3 (MANE Select); coding-DNA position 2084, A replaced by G.
Protein change: p.Asp695Gly; replaces aspartic acid 695 with glycine.
Molecular consequence: missense variant.
Genome position (GRCh38, 1-based): chr15:89,323,888, T>C on the plus strand (A>G on the coding strand, the complement: POLG is on the minus strand). VCF-style: chr15-89323888-T-C. GRCh37 (hg19) VCF-style: chr15-89867119-T-C.
Other names: c.2084A>G, p.Asp695Gly (NM_001126131.2); short protein forms D695G.
Identifiers: ClinVar variation 1983654 (VCV001983654.5), dbSNP rs1427384868, ClinGen allele CA393757290.